The following is an entry in ClinVar:

NM_001134363.3(RBM20):c.129GCC[4] (p.Pro48del)

Gene: RBM20 (RNA binding motif protein 20; plus strand). Cytogenetic location: 10q25.2.
Variant type: Microsatellite.
Coding change: c.129GCC[4] on transcript NM_001134363.3 (MANE Select); four copies in a row of the 3-base unit GCC starting at c.129; the reference has five copies in a row; one copy, 3 bases deleted.
Protein change: p.Pro48del; deletes proline 48.
Molecular consequence: inframe deletion.
Genome position (GRCh38, 1-based): chr10:110,644,595-110,644,597, GCC deleted; deleting any 3 consecutive bases within chr10:110,644,583-110,644,597 gives the same sequence; the position shown is the placement nearest the transcript's 3' end. VCF-style (leftmost placement, unchanged base first): chr10-110644582-AGCC-A. GRCh37 (hg19) VCF-style: chr10-112404340-AGCC-A.
Other names: c.129_143GCC[4] (NM_001134363.2); short protein forms P48del.
Identifiers: ClinVar variation 516887 (VCV000516887.12), dbSNP rs756342135, ClinGen allele CA5688491.
Genomic context (GRCh38, chr10:110,644,582, plus strand): 5'-CCTGCAGTGTGCCTGGTGCCCGGGCGTCCCCGGCACCCTCCGGCCCGCGAGGGATGCAGC[AGCC>A]GCCGCCGCCGCCCCAGCCACCGCCCCCGCCCCAAGCCGGCCTACCCCAGATCATCCAAAA-3'

ClinVar aggregate classification (germline): Conflicting classifications of pathogenicity. Review status: criteria provided, conflicting classifications (1 of 4 stars). 5 submissions from 5 submitters: Uncertain significance (1); Likely benign (4). Last evaluated 2025-12-10.

Conditions:
Dilated cardiomyopathy 1DD (CMD1DD). Identifiers: Orphanet 154, MedGen C2750995, MONDO:0013168, OMIM 613172.
Cardiovascular phenotype. Identifiers: MedGen CN230736.

Submissions (5):

Labcorp Genetics (formerly Invitae), Labcorp
Classification: Uncertain significance for Dilated cardiomyopathy 1DD. Last evaluated: 2025-12-10. Review status: criteria provided, single submitter. Criteria: Invitae Variant Classification Sherloc (09022015). Collection method: clinical testing. Allele origin: germline.
Comment: This variant, c.141_143del, results in the deletion of 1 amino acid(s) of the RBM20 protein (p.Pro48del), but otherwise preserves the integrity of the reading frame. The frequency data for this variant in the population databases is considered unreliable, as metrics indicate poor data quality at this position in the gnomAD database. This variant has not been reported in the literature in individuals affected with RBM20-related conditions. Experimental studies and prediction algorithms are not available or were not evaluated, and the functional significance of this variant is currently unknown. In summary, the available evidence is currently insufficient to determine the role of this variant in disease. Therefore, it has been classified as a Variant of Uncertain Significance.

Molecular Diagnostic Laboratory for Inherited Cardiovascular Disease, Montreal Heart Institute
Classification: Likely benign. Last evaluated: 2025-04-09. Review status: criteria provided, single submitter. Criteria: ACMG Guidelines, 2015. Collection method: clinical testing. Allele origin: germline. Affected: no.
Comment: BS1, BP3

Blueprint Genetics
Classification: Likely benign. Last evaluated: 2024-07-03. Review status: criteria provided, single submitter. Criteria: ACMG Guidelines, 2015. Collection method: clinical testing. Allele origin: germline.

Ambry Genetics
Classification: Likely benign for Cardiovascular phenotype. Last evaluated: 2019-07-20. Review status: criteria provided, single submitter. Criteria: Ambry Variant Classification Scheme 2023. Collection method: clinical testing. Allele origin: germline.

GeneDx
Classification: Likely benign. Last evaluated: 2018-03-07. Review status: criteria provided, single submitter. Criteria: GeneDx Variant Classification (06012015). Collection method: clinical testing. Allele origin: germline. Affected: yes.
Comment: This variant is considered likely benign or benign based on one or more of the following criteria: it is a conservative change, it occurs at a poorly conserved position in the protein, it is predicted to be benign by multiple in silico algorithms, and/or has population frequency not consistent with disease.